The following is an entry in ClinVar:

NM_004415.4(DSP):c.6368G>A (p.Arg2123His)

Gene: DSP (desmoplakin; plus strand). Cytogenetic location: 6p24.3.
Variant type: single nucleotide variant.
Coding change: c.6368G>A on transcript NM_004415.4 (MANE Select); coding-DNA position 6368, G replaced by A.
Protein change: p.Arg2123His; replaces arginine 2123 with histidine.
Molecular consequence: missense variant.
Genome position (GRCh38, 1-based): chr6:7,583,630, G>A. VCF-style: chr6-7583630-G-A. GRCh37 (hg19) VCF-style: chr6-7583863-G-A.
Other names: c.4571G>A, p.Arg1524His (NM_001008844.3); c.5039G>A, p.Arg1680His (NM_001319034.2); short protein forms R1524H, R1680H, R2123H.
Identifiers: ClinVar variation 859665 (VCV000859665.19), dbSNP rs142272846, ClinGen allele CA047459.

ClinVar aggregate classification (germline): Conflicting classifications of pathogenicity. Review status: criteria provided, conflicting classifications (1 of 4 stars). 7 submissions from 7 submitters: Uncertain significance (4); Likely benign (1). 2 of the submissions do not count toward it. Last evaluated 2025-09-08.

Conditions:
Cardiomyopathy (CMYO). Also called: Cardiomyopathies. Identifiers: Orphanet 167848, MedGen C0878544, MONDO:0004994, HP:0001638. Inheritance: Various modes of inheritance.
Arrhythmogenic cardiomyopathy with wooly hair and keratoderma. Also called: Carvajal syndrome; PALMOPLANTAR KERATODERMA WITH LEFT VENTRICULAR CARDIOMYOPATHY AND WOOLLY HAIR; Dilated cardiomyopathy with woolly hair and keratoderma; Arrhythmogenic cardiomyopathy with woolly hair and keratoderma. Identifiers: Orphanet 65282, MedGen C1854063, MONDO:0011581, OMIM 605676.
Cardiovascular phenotype. Identifiers: MedGen CN230736.
Arrhythmogenic right ventricular dysplasia 8 (ARVD8). Also called: ARRHYTHMOGENIC RIGHT VENTRICULAR DYSPLASIA, FAMILIAL, 8; Arrhythmogenic Right Ventricular Dysplasia/Cardiomyopathy 8; ARRHYTHMOGENIC RIGHT VENTRICULAR CARDIOMYOPATHY 8. Identifiers: MedGen C1843896, MONDO:0011831, OMIM 607450.

Allele frequency attached by ClinVar (database versions not stated): gnomAD exomes 0.00001 and 0.00002; ExAC 0.00002; TOPMed 0.00002; gnomAD 0.00003; ESP Exome Variant Server 0.00008.
gnomAD v4.1: 22 of 1,614,030 alleles (0.0014%); highest among the groups gnomAD compares: African/African-American, 0.004%; no homozygotes.

Submissions (7):

Labcorp Genetics (formerly Invitae), Labcorp
Classification: Likely benign for Arrhythmogenic cardiomyopathy with wooly hair and keratoderma; Arrhythmogenic right ventricular dysplasia 8. Last evaluated: 2025-09-08. Review status: criteria provided, single submitter. Criteria: Invitae Variant Classification Sherloc (09022015). Collection method: clinical testing. Allele origin: germline.

GeneDx
Classification: Uncertain significance. Last evaluated: 2025-06-25. Review status: criteria provided, single submitter. Criteria: GeneDx Variant Classification Process June 2021. Collection method: clinical testing. Allele origin: germline. Affected: yes.
Comment: Not observed at significant frequency in large population cohorts (gnomAD); In silico analysis supports that this missense variant has a deleterious effect on protein structure/function; Has not been previously published as pathogenic or benign to our knowledge

Ambry Genetics
Classification: Uncertain significance for Cardiovascular phenotype. Last evaluated: 2025-05-02. Review status: criteria provided, single submitter. Criteria: Ambry Variant Classification Scheme 2023. Collection method: clinical testing. Allele origin: germline.
Comment: The p.R2123H variant (also known as c.6368G>A), located in coding exon 24 of the DSP gene, results from a G to A substitution at nucleotide position 6368. The arginine at codon 2123 is replaced by histidine, an amino acid with highly similar properties. This variant was reported in individual(s) with features consistent with dilated cardiomyopathy (DCM) (Janin A et al. Mol Diagn Ther, 2021 May;25:373-385). This amino acid position is highly conserved in available vertebrate species. In addition, this alteration is predicted to be deleterious by in silico analysis. Based on the available evidence, the clinical significance of this variant remains unclear.

Color Diagnostics, LLC DBA Color Health
Classification: Uncertain significance for Cardiomyopathy. Last evaluated: 2024-07-09. Review status: criteria provided, single submitter. Criteria: ACMG Guidelines, 2015. Collection method: clinical testing. Allele origin: germline.
Comment: This missense variant replaces arginine with histidine at codon 2123 of the DSP protein. Computational prediction suggests that this variant may have deleterious impact on protein structure and function (internally defined REVEL score threshold >= 0.7, PMID: 27666373). To our knowledge, functional studies have not been reported for this variant. This variant has not been reported in individuals affected with DSP-related disorders in the literature. This variant has been identified in 5/282730 chromosomes in the general population by the Genome Aggregation Database (gnomAD). The available evidence is insufficient to determine the role of this variant in disease conclusively. Therefore, this variant is classified as a Variant of Uncertain Significance.

All of Us Research Program, National Institutes of Health
Classification: Uncertain significance for Arrhythmogenic cardiomyopathy with wooly hair and keratoderma. Last evaluated: 2023-05-16. Review status: criteria provided, single submitter. Criteria: ACMG Guidelines, 2015. Collection method: clinical testing. Allele origin: germline. Inheritance: Autosomal dominant inheritance. Observed: 2 variant alleles, 2 heterozygotes.
Comment: This missense variant replaces arginine with histidine at codon 2123 of the DSP protein. Computational prediction suggests that this variant may have deleterious impact on protein structure and function (internally defined REVEL score threshold >= 0.7, PMID: 27666373). To our knowledge, functional studies have not been reported for this variant. This variant has not been reported in individuals affected with DSP-related disorders in the literature. This variant has been identified in 5/282730 chromosomes in the general population by the Genome Aggregation Database (gnomAD). The available evidence is insufficient to determine the role of this variant in disease conclusively. Therefore, this variant is classified as a Variant of Uncertain Significance.

This study involves interpretation of variants in research participants for the purpose of population health screening. Participant phenotype was not available at the time of variant classification. Additional details can be found in publication PMID: 35346344, PMCID: PMC8962531

Genome Diagnostics Laboratory, University Medical Center Utrecht
Classification: Uncertain significance. Review status: no assertion criteria provided. Collection method: clinical testing. Allele origin: germline. Affected: yes. Study: VKGL Data-share Consensus. Not counted in ClinVar's aggregate classification.

Joint Genome Diagnostic Labs from Nijmegen and Maastricht, Radboudumc and MUMC+
Classification: Uncertain significance. Review status: no assertion criteria provided. Collection method: clinical testing. Allele origin: germline. Affected: yes. Study: VKGL Data-share Consensus. Not counted in ClinVar's aggregate classification.

Literature cited by the submitters: PubMed 33954932 (cited by Ambry Genetics).